The following is an entry in ClinVar:

NM_000179.3(MSH6):c.3091dup (p.Asp1031fs)

Gene: MSH6 (mutS homolog 6; plus strand). Cytogenetic location: 2p16.3.
Variant type: Duplication.
Coding change: c.3091dup on transcript NM_000179.3 (MANE Select); coding-DNA position 3091, one base duplicated (G; older notation c.3091dupG).
Protein change: p.Asp1031fs; shifts the reading frame from aspartic acid 1031.
Molecular consequence: frameshift variant.
Genome position (GRCh38, 1-based): chr2:47,801,074, G duplicated; the last of 2 consecutive G bases (chr2:47,801,073-47,801,074); duplicating either gives the same sequence. VCF-style (leftmost placement, unchanged base first): chr2-47801072-A-AG. GRCh37 (hg19) VCF-style: chr2-48028211-A-AG.
Other names: c.2701dup, p.Asp901fs (NM_001281492.2); c.2185dup, p.Asp729fs (NM_001281493.2, NM_001281494.2); c.3091dupG (NM_000179.2); short protein forms D729fs, D901fs, D1031fs.
Identifiers: ClinVar variation 653498 (VCV000653498.7), dbSNP rs1572730065, ClinGen allele CA915943942.
Genomic context (GRCh38, chr2:47,801,072, plus strand): 5'-CTATTGAAAAGAAGTTGGCTAATCTCATAAATGCTGAAGAACGGAGGGATGTATCATTGA[A>AG]GGACTGCATGCGGCGACTGTTCTATAACTTTGATAAAAATTACAAGGACTGGCAGTCTGC-3'

ClinVar aggregate classification (germline): Pathogenic (1 of 4 stars; one submission).

Conditions:
Hereditary nonpolyposis colorectal neoplasms. Identifiers: MedGen C0009405, MeSH D003123.

Submission:

Labcorp Genetics (formerly Invitae), Labcorp
Classification: Pathogenic for Hereditary nonpolyposis colorectal neoplasms. Last evaluated: 2020-04-06. Review status: criteria provided, single submitter. Criteria: Invitae Variant Classification Sherloc (09022015). Collection method: clinical testing. Allele origin: germline.
Comment: For these reasons, this variant has been classified as Pathogenic. Loss-of-function variants in MSH6 are known to be pathogenic (PMID: 18269114, 24362816). This variant has not been reported in the literature in individuals with MSH6-related conditions. ClinVar contains an entry for this variant (Variation ID: 653498). This variant is not present in population databases (ExAC no frequency). This sequence change creates a premature translational stop signal (p.Asp1031Glyfs*9) in the MSH6 gene. It is expected to result in an absent or disrupted protein product.

Literature cited by the submitters: PubMed 18269114; PubMed 24362816.